The following is an entry in ClinVar:

ClinVar aggregate classification (germline): Likely benign (1 of 4 stars; one submission).

gnomAD v4.1: 1,975 of 1,612,318 alleles (0.12%); highest among the groups gnomAD compares: African/African-American, 1.3%; 12 homozygotes.

Submission:

CeGaT Center for Human Genetics Tuebingen
Classification: Likely benign. Last evaluated: 2026-09-01. Review status: criteria provided, single submitter. Criteria: CeGaT Center For Human Genetics Tuebingen Variant Classification Criteria Version 2. Collection method: clinical testing. Allele origin: germline. Affected: yes. Observed: 3 variant alleles.
Comment: PLXNB2: BP4, BS1

NM_012401.4(PLXNB2):c.2571-5G>A

Gene: PLXNB2 (plexin B2; minus strand). Cytogenetic location: 22q13.33.
Variant type: single nucleotide variant.
Coding change: c.2571-5G>A on transcript NM_012401.4 (MANE Select); 5 bases into the intron before coding-DNA position 2571, G replaced by A.
Molecular consequence: intron variant.
Genome position (GRCh38, 1-based): chr22:50,283,450, C>T on the plus strand (G>A on the coding strand, the complement: PLXNB2 is on the minus strand). VCF-style: chr22-50283450-C-T. GRCh37 (hg19) VCF-style: chr22-50721879-C-T.
Other names: c.2571-5G>A (NM_001376869.1, NM_001376885.1, NM_001376866.1 and 18 more transcripts); c.2478-5G>A (NM_001376886.1); c.2640-5G>A (NM_001376865.1).
Identifiers: ClinVar variation 4533728 (VCV004533728.6).